The following is an entry in ClinVar:

NM_001099771.2(POTEF):c.2664C>T (p.Tyr888=)

Gene: POTEF (POTE ankyrin domain family member F; minus strand). Cytogenetic location: 2q21.1.
Variant type: single nucleotide variant.
Coding change: c.2664C>T on transcript NM_001099771.2 (MANE Select); coding-DNA position 2664, C replaced by T.
Protein change: p.Tyr888=; no amino-acid change (tyrosine 888 retained).
Molecular consequence: synonymous variant.
Genome position (GRCh38, 1-based): chr2:130,074,808, G>A on the plus strand (C>T on the coding strand, the complement: POTEF is on the minus strand). VCF-style: chr2-130074808-G-A. GRCh37 (hg19) VCF-style: chr2-130832381-G-A.
Identifiers: ClinVar variation 2651350 (VCV002651350.24), dbSNP rs566751181, ClinGen allele CA1868025.

ClinVar aggregate classification (germline): Likely benign (1 of 4 stars; one submission).

Allele frequency attached by ClinVar (database versions not stated): 1000 Genomes Project 0.00040; ExAC 0.00060.

Submission:

CeGaT Center for Human Genetics Tuebingen
Classification: Likely benign. Last evaluated: 2023-03-01. Review status: criteria provided, single submitter. Criteria: CeGaT Center For Human Genetics Tuebingen Variant Classification Criteria Version 2. Collection method: clinical testing. Allele origin: germline. Affected: yes. Observed: 1 variant allele.
Comment: POTEF: BP4, BP7